The following is an entry in ClinVar:

ClinVar aggregate classification (germline): Conflicting classifications of pathogenicity. Review status: criteria provided, conflicting classifications (1 of 4 stars). 2 submissions from 2 submitters: Uncertain significance (1); Benign (1). Last evaluated 2025-06-22.

Conditions:
Spastic paraplegia. Identifiers: MedGen C0037772, HP:0001258.

Allele frequency attached by ClinVar (database versions not stated): gnomAD exomes 0.00001 and 0.00002; ExAC 0.00002; gnomAD 0.00003 and 0.00004; TOPMed 0.00007; ESP Exome Variant Server 0.00015.
gnomAD v4.1: 26 of 1,613,924 alleles (0.0016%); highest among the groups gnomAD compares: African/African-American, 0.013%; no homozygotes.

Submissions (2):

Labcorp Genetics (formerly Invitae), Labcorp
Classification: Benign for Spastic paraplegia. Last evaluated: 2025-06-22. Review status: criteria provided, single submitter. Criteria: Invitae Variant Classification Sherloc (09022015). Collection method: clinical testing. Allele origin: germline.

ARUP Laboratories, Molecular Genetics and Genomics, ARUP Laboratories
Classification: Uncertain significance. Last evaluated: 2018-02-15. Review status: criteria provided, single submitter. Criteria: ARUP Molecular Germline Variant Investigation Process. Collection method: clinical testing. Allele origin: germline.
Comment: The KIF5A c.341G>A; p.Arg114Gln variant (rs144277716), to our knowledge, is not reported in the medical literature, gene specific variation databases, nor has it been previously identified by our laboratory. This variant is listed in the genome Aggregation Database (gnomAD) with an overall population frequency of 0.002% (identified on 5 out of 245,788 chromosomes). The arginine at position 114 is weakly conserved, considering 13 species, and computational analyses of the effects of the p.Arg114Gln variant on protein structure and function do not predict a deleterious effect (SIFT: tolerated, PolyPhen-2: benign). Based on the available information, the clinical significance of the p.Arg114Gln variant cannot be determined with certainty.

NM_004984.4(KIF5A):c.341G>A (p.Arg114Gln)

Gene: KIF5A (kinesin family member 5A; plus strand). Cytogenetic location: 12q13.3.
Variant type: single nucleotide variant.
Coding change: c.341G>A on transcript NM_004984.4 (MANE Select); coding-DNA position 341, G replaced by A.
Protein change: p.Arg114Gln; replaces arginine 114 with glutamine.
Molecular consequence: missense variant. On other transcripts: intron variant (1).
Genome position (GRCh38, 1-based): chr12:57,564,157, G>A. VCF-style: chr12-57564157-G-A. GRCh37 (hg19) VCF-style: chr12-57957940-G-A.
Other names: c.130-303G>A (NM_001354705.2); short protein forms R114Q.
Identifiers: ClinVar variation 618190 (VCV000618190.14), dbSNP rs144277716, ClinGen allele CA6652565.
Genomic context (GRCh38, chr12:57,564,157, plus strand): 5'-TCACTCGCCAGGGAAAGCTGCACGACCCTCAGCTGATGGGAATCATTCCTCGAATTGCCC[G>A]AGACATCTTCAACCACATCTACTCCATGGATGAGAACCTTGAGTTCCACATCAAGGTGAC-3'
Protein context (NP_004975.2, residues 104-124): QLMGIIPRIA[Arg114Gln]DIFNHIYSMD